The following is an entry in ClinVar:

ClinVar aggregate classification (germline): Uncertain significance (1 of 4 stars; one submission).

Conditions:
Catecholaminergic polymorphic ventricular tachycardia (CVPT). Also called: Catecholamine-induced polymorphic ventricular tachycardia. Identifiers: Orphanet 3286, MedGen C5574922, MONDO:0017990.

gnomAD v4.1: 1 of 1,613,388 alleles (0.000062%); highest among the groups gnomAD compares: Non-Finnish European, 0.000085%; no homozygotes.

Submission:

All of Us Research Program, National Institutes of Health
Classification: Uncertain significance for Catecholaminergic polymorphic ventricular tachycardia. Last evaluated: 2023-12-01. Review status: criteria provided, single submitter. Criteria: ACMG Guidelines, 2015. Collection method: clinical testing. Allele origin: germline. Inheritance: Autosomal dominant inheritance. Observed: 2 variant alleles, 2 heterozygotes.
Comment: This study involves interpretation of variants in research participants for the purpose of population health screening. Participant phenotype was not available at the time of variant classification. Additional details can be found in publication PMID: 35346344, PMCID: PMC8962531

NM_001035.3(RYR2):c.14392G>A (p.Asp4798Asn)

Gene: RYR2 (ryanodine receptor 2; plus strand). Cytogenetic location: 1q43.
Variant type: single nucleotide variant.
Coding change: c.14392G>A on transcript NM_001035.3 (MANE Select); coding-DNA position 14392, G replaced by A.
Protein change: p.Asp4798Asn; replaces aspartic acid 4798 with asparagine.
Molecular consequence: missense variant.
Genome position (GRCh38, 1-based): chr1:237,808,994, G>A. VCF-style: chr1-237808994-G-A. GRCh37 (hg19) VCF-style: chr1-237972294-G-A.
Other names: short protein forms D4798N.
Identifiers: ClinVar variation 3070525 (VCV003070525.1), dbSNP rs1201435512, ClinGen allele CA345424409.